The following is an entry in ClinVar:

ClinVar aggregate classification (germline): Likely pathogenic. Review status: criteria provided, single submitter (1 of 4 stars). 2 submissions from 2 submitters: Likely pathogenic (1). 1 of the submissions does not count toward it. Last evaluated 2025-05-03.

Conditions:
Ehlers-Danlos syndrome, type 4 (EDSVASC). Also called: Ehlers-Danlos syndrome vascular type; Ehlers Danlos syndrome, ecchymotic type; Ehlers Danlos syndrome, arterial type; Ehlers Danlos syndrome, Sack-Barabas type; Ehlers-Danlos Syndrome Type IV. Identifiers: Orphanet 286, MedGen C0268338, MONDO:0017314, OMIM 130050.

Submissions (2):

Labcorp Genetics (formerly Invitae), Labcorp
Classification: Likely pathogenic for Ehlers-Danlos syndrome, type 4. Last evaluated: 2025-05-03. Review status: criteria provided, single submitter. Criteria: Invitae Variant Classification Sherloc (09022015). Collection method: clinical testing. Allele origin: germline.
Comment: This sequence change replaces glycine, which is neutral and non-polar, with glutamic acid, which is acidic and polar, at codon 705 of the COL3A1 protein (p.Gly705Glu). This variant is not present in population databases (gnomAD no frequency). This missense change has been observed in individual(s) with COL3A1-related conditions (PMID: 24922459). ClinVar contains an entry for this variant (Variation ID: 101152). Invitae Evidence Modeling of protein sequence and biophysical properties (such as structural, functional, and spatial information, amino acid conservation, physicochemical variation, residue mobility, and thermodynamic stability) indicates that this missense variant is expected to disrupt COL3A1 protein function with a positive predictive value of 95%. This variant disrupts the triple helix domain of COL3A1. Glycine residues within the Gly-Xaa-Yaa repeats of the triple helix domain are required for the structure and stability of fibrillar collagens (PMID: 7695699, 8218237, 19344236). In COL3A1, variants that affect these glycine residues are significantly enriched in individuals with disease (PMID: 24922459, 25758994) compared to the general population (ExAC). In summary, the currently available evidence indicates that the variant is pathogenic, but additional data are needed to prove that conclusively. Therefore, this variant has been classified as Likely Pathogenic.

Collagen Diagnostic Laboratory, University of Washington
Classification: Pathogenic for Ehlers-Danlos syndrome, type 4. Review status: no assertion criteria provided. Collection method: clinical testing. Allele origin: germline. Affected: yes. Not counted in ClinVar's aggregate classification.

Literature cited by the submitters: PubMed 24922459 (cited by Labcorp Genetics (formerly Invitae), Labcorp); PubMed 7695699 (cited by Labcorp Genetics (formerly Invitae), Labcorp); PubMed 8218237 (cited by Labcorp Genetics (formerly Invitae), Labcorp); PubMed 19344236 (cited by Labcorp Genetics (formerly Invitae), Labcorp); PubMed 25758994 (cited by Labcorp Genetics (formerly Invitae), Labcorp).

NM_000090.4(COL3A1):c.2114G>A (p.Gly705Glu)

Gene: COL3A1 (collagen type III alpha 1 chain; plus strand). Cytogenetic location: 2q32.2.
Variant type: single nucleotide variant.
Coding change: c.2114G>A on transcript NM_000090.4 (MANE Select); coding-DNA position 2114, G replaced by A.
Protein change: p.Gly705Glu; replaces glycine 705 with glutamic acid.
Molecular consequence: missense variant.
Genome position (GRCh38, 1-based): chr2:188,999,376, G>A. VCF-style: chr2-188999376-G-A. GRCh37 (hg19) VCF-style: chr2-189864102-G-A.
Identifiers: ClinVar variation 101152 (VCV000101152.3), dbSNP rs587779460, ClinGen allele CA005033.